The following is an entry in ClinVar:

NM_001008537.3(NEXMIF):c.625dup (p.Leu209fs)

Gene: NEXMIF (neurite extension and migration factor; minus strand). Cytogenetic location: Xq13.3.
Variant type: Duplication.
Coding change: c.625dup on transcript NM_001008537.3 (MANE Select); coding-DNA position 625, one base duplicated (C; older notation c.625dupC).
Protein change: p.Leu209fs; shifts the reading frame from leucine 209.
Molecular consequence: frameshift variant.
Genome position (GRCh38, 1-based): chrX:74,743,932, G duplicated on the plus strand (C on the coding strand, the reverse complement: NEXMIF is on the minus strand); the first of 5 consecutive G bases (chrX:74,743,932-74,743,936); duplicating any one gives the same sequence. VCF-style (leftmost placement, unchanged base first): chrX-74743931-A-AG. GRCh37 (hg19) VCF-style: chrX-73963766-A-AG.
Other names: short protein forms L209fs.
Identifiers: ClinVar variation 242325 (VCV000242325.2), dbSNP rs878854423, ClinGen allele CA10583978.

ClinVar aggregate classification (germline): Pathogenic (1 of 4 stars; one submission).

Submission:

GeneDx
Classification: Pathogenic. Last evaluated: 2016-06-15. Review status: criteria provided, single submitter. Criteria: GeneDx Variant Classification (06012015). Collection method: clinical testing. Allele origin: germline. Affected: yes.
Comment: The c.625dupC variant in the KIAA2022 gene has been observed in internal GeneDx whole exome sequencing data in association with seizures and global developmental delay. The c.625dupC variant causes a frameshift starting with codon Leucine 209, changes this amino acid to a Proline residue and creates a premature Stop codon at position 3 of the new reading frame, denoted p.Leu209ProfsX3. This variant is predicted to cause loss of normal protein function either through protein truncation or nonsense-mediated mRNA decay. The c.625dupC variant was not observed in approximately 6,500 individuals of European and African American ancestry in the NHLBI Exome Sequencing Project, indicating it is not a common benign variant in these populations. We interpret c.625dupC as a pathogenic variant.